The following is an entry in ClinVar:

ClinVar aggregate classification (germline): Uncertain significance (1 of 4 stars; one submission).

Conditions:
WDR7-related disorder. Also called: WDR7-related condition.

Submission:

PreventionGenetics, part of Exact Sciences
Classification: Uncertain significance for WDR7-related condition. Last evaluated: 2025-12-17. Review status: criteria provided, single submitter. Criteria: ACMG Guidelines, 2015. Collection method: clinical testing. Allele origin: germline.
Comment: The WDR7 c.1621_1622insGGCTACCTACTGTAGC variant is predicted to result in a frameshift and premature protein termination (p.Ser541Trpfs*37). To our knowledge, this variant has not been reported in the literature or in a large population database (gnomAD), indicating this variant is rare. At this time, the clinical significance of this variant is uncertain due to the absence of conclusive functional and genetic evidence.

NM_015285.3(WDR7):c.1621_1622insGGCTACCTACTGTAGC (p.Ser541fs)

Gene: WDR7 (WD repeat domain 7; plus strand). Cytogenetic location: 18q21.31.
Variant type: Insertion.
Coding change: c.1621_1622insGGCTACCTACTGTAGC on transcript NM_015285.3 (MANE Select); coding-DNA positions 1621 to 1622, GGCTACCTACTGTAGC inserted.
Protein change: p.Ser541fs; shifts the reading frame from serine 541.
Molecular consequence: frameshift variant.
Genome position: GRCh38 VCF-style: chr18-56718006-T-TGGCTACCTACTGTAGC. GRCh37 (hg19) VCF-style: chr18-54385237-T-TGGCTACCTACTGTAGC.
Other names: c.1621_1622insGGCTACCTACTGTAGC, p.Ser541fs (NM_001382485.1, NM_001382487.1, NM_052834.3); short protein forms S541fs.
Identifiers: ClinVar variation 4985748 (VCV004985748.1).